The following is an entry in ClinVar:

NM_139285.4(GAS2L2):c.2067G>A (p.Pro689=)

Gene: GAS2L2 (growth arrest specific 2 like 2; minus strand). Cytogenetic location: 17q12.
Variant type: single nucleotide variant.
Coding change: c.2067G>A on transcript NM_139285.4 (MANE Select); coding-DNA position 2067, G replaced by A.
Protein change: p.Pro689=; no amino-acid change (proline 689 retained).
Molecular consequence: synonymous variant.
Genome position (GRCh38, 1-based): chr17:35,745,430, C>T on the plus strand (G>A on the coding strand, the complement: GAS2L2 is on the minus strand). VCF-style: chr17-35745430-C-T. GRCh37 (hg19) VCF-style: chr17-34072449-C-T.
Identifiers: ClinVar variation 4873316 (VCV004873316.3).
Genomic context (GRCh38, chr17:35,745,430, plus strand): 5'-CAGGCTTGCCTTTGTCCTGGGCCCACTCTGTCTGGCTCCCAACTTCCCTTTGAGGCTTCC[C>T]GGTCCTGGGGTAACAGCTGGCTTAGGGGAGCCAGTCGGGGCTGCCTTCCAGGCTTCCAGG-3'
Protein context (NP_644814.1, residues 679-699): GSPKPAVTPG[Pro689=]GSLKGKLGAR

ClinVar aggregate classification (germline): Likely benign. Review status: criteria provided, multiple submitters, no conflicts (2 of 4 stars). 2 submissions from 2 submitters: Likely benign (2). Last evaluated 2026-04-01.

gnomAD v4.1: 58 of 1,572,744 alleles (0.0037%); highest among the groups gnomAD compares: Admixed American, 0.032%; no homozygotes.

Submissions (2):

CeGaT Center for Human Genetics Tuebingen
Classification: Likely benign. Last evaluated: 2026-04-01. Review status: criteria provided, single submitter. Criteria: CeGaT Center For Human Genetics Tuebingen Variant Classification Criteria Version 2. Collection method: clinical testing. Allele origin: germline. Affected: yes. Observed: 1 variant allele.
Comment: GAS2L2: BP4, BP7

Blueprint Genetics
Classification: Likely benign. Last evaluated: 2024-10-02. Review status: criteria provided, single submitter. Criteria: ACMG Guidelines, 2015. Collection method: clinical testing. Allele origin: germline.